The following is an entry in ClinVar:

ClinVar aggregate classification (germline): Uncertain significance (1 of 4 stars; one submission).

Allele frequency attached by ClinVar (database versions not stated): gnomAD exomes below 0.00001.
gnomAD v4.1: 1 of 1,613,976 alleles (0.000062%); highest among the groups gnomAD compares: Non-Finnish European, 0.000085%; no homozygotes.

Submission:

Ambry Genetics
Classification: Uncertain significance. Last evaluated: 2021-07-18. Review status: criteria provided, single submitter. Criteria: Ambry Variant Classification Scheme 2023. Collection method: clinical testing. Allele origin: germline.
Comment: The p.Q144E variant (also known as c.430C>G), located in coding exon 5 of the BUB1 gene, results from a C to G substitution at nucleotide position 430. The glutamine at codon 144 is replaced by glutamic acid, an amino acid with highly similar properties. This amino acid position is conserved. In addition, this alteration is predicted to be tolerated by in silico analysis. Since supporting evidence is limited at this time, the clinical significance of this alteration remains unclear.

NM_004336.5(BUB1):c.430C>G (p.Gln144Glu)

Gene: BUB1 (BUB1 mitotic checkpoint serine/threonine kinase; minus strand). Cytogenetic location: 2q13.
Variant type: single nucleotide variant.
Coding change: c.430C>G on transcript NM_004336.5 (MANE Select); coding-DNA position 430, C replaced by G.
Protein change: p.Gln144Glu; replaces glutamine 144 with glutamic acid.
Molecular consequence: missense variant.
Genome position (GRCh38, 1-based): chr2:110,670,561, G>C on the plus strand (C>G on the coding strand, the complement: BUB1 is on the minus strand). VCF-style: chr2-110670561-G-C. GRCh37 (hg19) VCF-style: chr2-111428138-G-C.
Other names: c.370C>G, p.Gln124Glu (NM_001278616.2); c.430C>G, p.Gln144Glu (NM_001278617.2); short protein forms Q124E, Q144E.
Identifiers: ClinVar variation 1739612 (VCV001739612.2), dbSNP rs2468032787, ClinGen allele CA348219664.